The following is an entry in ClinVar:

NM_020778.5(ALPK3):c.3G>A (p.Met1Ile)

Gene: ALPK3 (alpha kinase 3; plus strand). Cytogenetic location: 15q25.3.
Variant type: single nucleotide variant.
Coding change: c.3G>A on transcript NM_020778.5 (MANE Select); coding-DNA position 3, G replaced by A.
Protein change: p.Met1Ile; changes the start codon (methionine 1).
Molecular consequence: missense variant, initiator codon variant.
Genome position (GRCh38, 1-based): chr15:84,817,455, G>A. VCF-style: chr15-84817455-G-A. GRCh37 (hg19) VCF-style: chr15-85360686-G-A.
Other names: short protein forms M1I.
Identifiers: ClinVar variation 1751569 (VCV001751569.3), dbSNP rs2505689089, ClinGen allele CA393369264.

ClinVar aggregate classification (germline): Uncertain significance (1 of 4 stars; one submission).

Conditions:
Cardiovascular phenotype. Identifiers: MedGen CN230736.

Submission:

Ambry Genetics
Classification: Uncertain significance for Cardiovascular phenotype. Last evaluated: 2020-02-12. Review status: criteria provided, single submitter. Criteria: Ambry Variant Classification Scheme 2023. Collection method: clinical testing. Allele origin: germline.
Comment: The p.M203I variant (also known as c.609G>A), located in coding exon 1 of the ALPK3 gene, results from a G to A substitution at nucleotide position 609. The methionine at codon 203 is replaced by isoleucine, an amino acid with highly similar properties. This amino acid position is well conserved in available vertebrate species. In addition, this alteration is predicted to be tolerated by in silico analysis. Since supporting evidence is limited at this time, the clinical significance of this alteration remains unclear.